The following is an entry in ClinVar:

ClinVar aggregate classification (germline): Uncertain significance (1 of 4 stars; one submission).

gnomAD v4.1: 84 of 1,613,878 alleles (0.0052%); highest among the groups gnomAD compares: Non-Finnish European, 0.0069%; no homozygotes.

Submission:

Ambry Genetics
Classification: Uncertain significance. Last evaluated: 2026-07-01. Review status: criteria provided, single submitter. Criteria: Ambry Variant Classification Scheme 2023. Collection method: clinical testing. Allele origin: germline.
Comment: The p.V199I variant (also known as c.595G>A), located in coding exon 2 of the ESR1 gene, results from a G to A substitution at nucleotide position 595. The valine at codon 199 is replaced by isoleucine, an amino acid with highly similar properties. This amino acid position is conserved. In addition, this alteration is predicted to be deleterious by in silico analysis. Based on the available evidence, the clinical significance of this variant remains unclear.

NM_000125.4(ESR1):c.595G>A (p.Val199Ile)

Gene: ESR1 (estrogen receptor 1; plus strand). Cytogenetic location: 6q25.1.
Variant type: single nucleotide variant.
Coding change: c.595G>A on transcript NM_000125.4 (MANE Select); coding-DNA position 595, G replaced by A.
Protein change: p.Val199Ile; replaces valine 199 with isoleucine.
Molecular consequence: missense variant.
Genome position (GRCh38, 1-based): chr6:151,842,739, G>A. VCF-style: chr6-151842739-G-A. GRCh37 (hg19) VCF-style: chr6-152163874-G-A.
Other names: c.595G>A, p.Val199Ile (NM_001122740.2, NM_001122741.2, NM_001122742.2 and 7 more transcripts); c.76G>A, p.Val26Ile (NM_001328100.2); short protein forms V26I, V199I.
Identifiers: ClinVar variation 3510399 (VCV003510399.2).